The following is an entry in ClinVar:

NM_001282225.2(ADA2):c.39C>A (p.Cys13Ter)

Gene: ADA2 (adenosine deaminase 2; minus strand). Cytogenetic location: 22q11.1.
Variant type: single nucleotide variant.
Coding change: c.39C>A on transcript NM_001282225.2 (MANE Select); coding-DNA position 39, C replaced by A.
Protein change: p.Cys13Ter; replaces cysteine 13 with a stop codon.
Molecular consequence: nonsense. On other transcripts: intron variant (3).
Genome position (GRCh38, 1-based): chr22:17,209,639, G>T on the plus strand (C>A on the coding strand, the complement: ADA2 is on the minus strand). VCF-style: chr22-17209639-G-T. GRCh37 (hg19) VCF-style: chr22-17690529-G-T.
Other names: c.39C>A, p.Cys13Ter (NM_001282226.2); c.-47-41C>A (NM_001282227.2, NM_001282228.2); c.-38-2349C>A (NM_001282229.2); short protein forms C13*.
Identifiers: ClinVar variation 2780451 (VCV002780451.3), dbSNP rs2517361483, ClinGen allele CA410231167.

ClinVar aggregate classification (germline): Pathogenic (1 of 4 stars; one submission).

Conditions:
Deficiency of adenosine deaminase 2. Also called: Polyarteritis nodosa, childhoood-onset; Adenosine Deaminase 2 Deficiency; VASCULITIS, AUTOINFLAMMATION, IMMUNODEFICIENCY, AND HEMATOLOGIC DEFECTS SYNDROME. Identifiers: Orphanet 404553, MedGen C3887654, MONDO:0014306, OMIM 615688, MONDO:0100317.

Allele frequency attached by ClinVar (database versions not stated): gnomAD exomes below 0.00001.
gnomAD v4.1: 1 of 1,613,906 alleles (0.000062%); highest among the groups gnomAD compares: Non-Finnish European, 0.000085%; no homozygotes.

Submission:

Labcorp Genetics (formerly Invitae), Labcorp
Classification: Pathogenic for Deficiency of adenosine deaminase 2. Last evaluated: 2023-04-14. Review status: criteria provided, single submitter. Criteria: Invitae Variant Classification Sherloc (09022015). Collection method: clinical testing. Allele origin: germline.
Comment: For these reasons, this variant has been classified as Pathogenic. This variant has not been reported in the literature in individuals affected with ADA2-related conditions. This variant is not present in population databases (gnomAD no frequency). This sequence change creates a premature translational stop signal (p.Cys13*) in the ADA2 gene. It is expected to result in an absent or disrupted protein product. Loss-of-function variants in ADA2 are known to be pathogenic (PMID: 24552284, 24552285).

Literature cited by the submitters: PubMed 24552284; PubMed 24552285.